The following is an entry in ClinVar:

NM_000834.5(GRIN2B):c.3964G>A (p.Val1322Ile)

Gene: GRIN2B (glutamate ionotropic receptor NMDA type subunit 2B; minus strand). Cytogenetic location: 12p13.1.
Variant type: single nucleotide variant.
Coding change: c.3964G>A on transcript NM_000834.5 (MANE Select); coding-DNA position 3964, G replaced by A.
Protein change: p.Val1322Ile; replaces valine 1322 with isoleucine.
Molecular consequence: missense variant.
Genome position (GRCh38, 1-based): chr12:13,563,274, C>T on the plus strand (G>A on the coding strand, the complement: GRIN2B is on the minus strand). VCF-style: chr12-13563274-C-T. GRCh37 (hg19) VCF-style: chr12-13716208-C-T.
Other names: short protein forms V1322I.
Identifiers: ClinVar variation 373786 (VCV000373786.18), dbSNP rs200255226, ClinGen allele CA16042889.

ClinVar aggregate classification (germline): Conflicting classifications of pathogenicity. Review status: criteria provided, conflicting classifications (1 of 4 stars). 4 submissions from 4 submitters: Uncertain significance (2); Likely benign (2). Last evaluated 2025-12-30.

Conditions:
Intellectual developmental disorder, autosomal dominant 6, with or without seizures. Also called: Intellectual disability, autosomal dominant 6; GRIN2B-related developmental delay, intellectual disability and autism spectrum disorder. Identifiers: Orphanet 589547, MedGen C3151411, MONDO:0013509, OMIM 613970.
Developmental and epileptic encephalopathy, 27 (DEE27). Also called: GRIN2B-Related Neurodevelopmental Disorder; Epileptic encephalopathy, early infantile, 27. Identifiers: Orphanet 3451, MedGen C4015316, MONDO:0014505, OMIM 616139.

Allele frequency attached by ClinVar (database versions not stated): gnomAD 0.00002; TOPMed 0.00003.
gnomAD v4.1: 81 of 1,614,108 alleles (0.005%); highest among the groups gnomAD compares: Non-Finnish European, 0.0058%; no homozygotes.

Submissions (4):

Women's Health and Genetics/Laboratory Corporation of America, LabCorp
Classification: Uncertain significance. Last evaluated: 2025-12-30. Review status: criteria provided, single submitter. Criteria: LabCorp Variant Classification Summary - May 2015. Collection method: clinical testing. Allele origin: germline.
Comment: Variant summary: GRIN2B c.3964G>A (p.Val1322Ile) results in a conservative amino acid change in the encoded protein sequence. Algorithms developed to predict the effect of missense changes on protein structure and function are either unavailable or do not agree on the potential impact of this missense change. The frequency data for this variant in gnomAD is considered unreliable, as metrics indicate poor data quality at this position. To our knowledge, no occurrence of c.3964G>A in individuals affected with GRIN2B-related conditions and no experimental evidence demonstrating its impact on protein function have been reported. ClinVar contains an entry for this variant (Variation ID: 373786). Based on the evidence outlined above, the variant was classified as uncertain significance.

CeGaT Center for Human Genetics Tuebingen
Classification: Likely benign. Last evaluated: 2025-07-01. Review status: criteria provided, single submitter. Criteria: CeGaT Center For Human Genetics Tuebingen Variant Classification Criteria Version 2. Collection method: clinical testing. Allele origin: germline. Affected: yes. Observed: 1 variant allele.
Comment: GRIN2B: BS1

Labcorp Genetics (formerly Invitae), Labcorp
Classification: Likely benign for Developmental and epileptic encephalopathy, 27; Intellectual developmental disorder, autosomal dominant 6, with or without seizures. Last evaluated: 2023-11-27. Review status: criteria provided, single submitter. Criteria: Invitae Variant Classification Sherloc (09022015). Collection method: clinical testing. Allele origin: germline.

GeneDx
Classification: Uncertain significance. Last evaluated: 2016-12-14. Review status: criteria provided, single submitter. Criteria: GeneDx Variant Classification (06012015). Collection method: clinical testing. Allele origin: germline. Affected: yes.
Comment: A variant of uncertain significance has been identified in the GRIN2B gene. The V1322I variant has not been published as a pathogenic variant, nor has it been reported as a benign variant to our knowledge. The V1322I variant is not observed in large population cohorts (Lek et al., 2016; 1000 Genomes Consortium et al., 2015; Exome Variant Server. This substitution occurs at a position that is conserved across species. However, the V1322I variant is a conservative amino acid substitution, which is not likely to impact secondary protein structure as these residues share similar properties. In silico analysis is inconsistent in its predictions as to whether or not the variant is damaging to the protein structure/function. Therefore, based on the currently available information, it is unclear whether this variant is a pathogenic variant or a rare benign variant.